The following is an entry in ClinVar:

ClinVar aggregate classification (germline): Uncertain significance. Review status: criteria provided, multiple submitters, no conflicts (2 of 4 stars). 4 submissions from 4 submitters: Uncertain significance (4). Last evaluated 2025-10-23.

Conditions:
Hypertrophic cardiomyopathy. Also called: HYPERTROPHIC MYOCARDIOPATHY. Identifiers: Orphanet 217569, MedGen C0007194, MeSH D002312, MONDO:0005045, HP:0001639.
Cardiomyopathy (CMYO). Also called: Cardiomyopathies. Identifiers: Orphanet 167848, MedGen C0878544, MONDO:0004994, HP:0001638. Inheritance: Various modes of inheritance.
Cardiovascular phenotype. Identifiers: MedGen CN230736.

Allele frequency attached by ClinVar (database versions not stated): gnomAD exomes below 0.00001 and 0.00002; TOPMed 0.00002; ExAC 0.00003; gnomAD 0.00003 and 0.00004; ESP Exome Variant Server 0.00008.

Submissions (4):

Labcorp Genetics (formerly Invitae), Labcorp
Classification: Uncertain significance for Hypertrophic cardiomyopathy. Last evaluated: 2025-10-23. Review status: criteria provided, single submitter. Criteria: Invitae Variant Classification Sherloc (09022015). Collection method: clinical testing. Allele origin: germline.
Comment: This sequence change replaces alanine, which is neutral and non-polar, with glutamic acid, which is acidic and polar, at codon 36 of the MYBPC3 protein (p.Ala36Glu). This variant is present in population databases (rs376646845, gnomAD 0.03%). This variant has not been reported in the literature in individuals affected with MYBPC3-related conditions. ClinVar contains an entry for this variant (Variation ID: 920071). An algorithm developed to predict the effect of missense changes on protein structure and function (PolyPhen-2) suggests that this variant is likely to be tolerated. In summary, the available evidence is currently insufficient to determine the role of this variant in disease. Therefore, it has been classified as a Variant of Uncertain Significance.

All of Us Research Program, National Institutes of Health
Classification: Uncertain significance for Hypertrophic cardiomyopathy. Last evaluated: 2023-11-20. Review status: criteria provided, single submitter. Criteria: ACMG Guidelines, 2015. Collection method: clinical testing. Allele origin: germline. Inheritance: Autosomal dominant inheritance. Observed: 1 variant allele, 1 heterozygote.
Comment: This missense variant replaces alanine with glutamic acid at codon 36 of the MYBPC3 protein. Computational prediction tools and conservation analyses are inconclusive regarding the impact of this variant on the protein function. Computational splicing tools suggest that this variant may not impact RNA splicing. To our knowledge, functional assays have not been performed for this variant nor has this variant been reported in individuals affected with cardiovascular disorders in the literature. This variant has been identified in 6/272840 chromosomes in the general population by the Genome Aggregation Database (gnomAD). Available evidence is insufficient to determine the role of this variant in disease conclusively. Therefore, this variant is classified as a Variant of Uncertain Significance.

This study involves interpretation of variants in research participants for the purpose of population health screening. Participant phenotype was not available at the time of variant classification. Additional details can be found in publication PMID: 35346344, PMCID: PMC8962531

Color Diagnostics, LLC DBA Color Health
Classification: Uncertain significance for Cardiomyopathy. Last evaluated: 2023-11-01. Review status: criteria provided, single submitter. Criteria: ACMG Guidelines, 2015. Collection method: clinical testing. Allele origin: germline.
Comment: This missense variant replaces alanine with glutamic acid at codon 36 of the MYBPC3 protein. Computational prediction suggests that this variant may not impact protein structure and function (internally defined REVEL score threshold <= 0.4, PMID: 27666373). To our knowledge, functional studies have not been reported for this variant. This variant has not been reported in individuals affected with MYBPC3-related disorders in the literature. This variant has been identified in 6/272840 chromosomes in the general population by the Genome Aggregation Database (gnomAD). The available evidence is insufficient to determine the role of this variant in disease conclusively. Therefore, this variant is classified as a Variant of Uncertain Significance.

Ambry Genetics
Classification: Uncertain significance for Cardiovascular phenotype. Last evaluated: 2023-05-22. Review status: criteria provided, single submitter. Criteria: Ambry Variant Classification Scheme 2023. Collection method: clinical testing. Allele origin: germline.
Comment: The p.A36E variant (also known as c.107C>A), located in coding exon 2 of the MYBPC3 gene, results from a C to A substitution at nucleotide position 107. The alanine at codon 36 is replaced by glutamic acid, an amino acid with dissimilar properties. This variant has been reported in the Jackson Heart Study cohort; however, clinical details were limited (Bick AG et al. Am J Hum Genet, 2012 Sep;91:513-9). This amino acid position is not well conserved in available vertebrate species. In addition, this alteration is predicted to be tolerated by in silico analysis. Since supporting evidence is limited at this time, the clinical significance of this alteration remains unclear.

Literature cited by the submitters: PubMed 22958901 (cited by Ambry Genetics).

NM_000256.3(MYBPC3):c.107C>A (p.Ala36Glu)

Gene: MYBPC3 (myosin binding protein C3; minus strand). Cytogenetic location: 11p11.2.
Variant type: single nucleotide variant.
Coding change: c.107C>A on transcript NM_000256.3 (MANE Select); coding-DNA position 107, C replaced by A.
Protein change: p.Ala36Glu; replaces alanine 36 with glutamic acid.
Molecular consequence: missense variant.
Genome position (GRCh38, 1-based): chr11:47,351,424, G>T on the plus strand (C>A on the coding strand, the complement: MYBPC3 is on the minus strand). VCF-style: chr11-47351424-G-T. GRCh37 (hg19) VCF-style: chr11-47372975-G-T.
Other names: short protein forms A36E.
Identifiers: ClinVar variation 920071 (VCV000920071.15), dbSNP rs376646845, ClinGen allele CA042282.